The following is an entry in ClinVar:

NM_001079802.2(FKTN):c.74_75delinsAT (p.Leu25Tyr)

Gene: FKTN (fukutin; plus strand). Cytogenetic location: 9q31.2.
Variant type: Indel.
Coding change: c.74_75delinsAT on transcript NM_001079802.2 (MANE Select); coding-DNA positions 74 to 75, TG replaced by AT.
Protein change: p.Leu25Tyr; replaces leucine 25 with tyrosine.
Molecular consequence: missense variant. On other transcripts: 5 prime UTR variant (5), non-coding transcript variant (2).
Genome position (GRCh38, 1-based): chr9:105,575,106-105,575,107, TG replaced by AT. VCF-style: chr9-105575106-TG-AT. GRCh37 (hg19) VCF-style: chr9-108337387-TG-AT.
Other names: c.74_75delinsAT, p.Leu25Tyr (NM_001198963.2, NM_001351496.2, NM_001351498.2 and 1 more transcripts); c.-94_-93delinsAT (NM_001351497.2); c.-441_-440delinsAT (NM_001351499.2, NM_001351500.2, NM_001351501.2 and 1 more transcripts); short protein forms L25Y.
Identifiers: ClinVar variation 2689069 (VCV002689069.3), dbSNP rs2538818045, ClinGen allele CA2697557981.

ClinVar aggregate classification (germline): Uncertain significance. Review status: criteria provided, multiple submitters, no conflicts (2 of 4 stars). 2 submissions from 2 submitters: Uncertain significance (2). Last evaluated 2025-05-03.

Conditions:
Cardiovascular phenotype. Identifiers: MedGen CN230736.

Submissions (2):

Ambry Genetics
Classification: Uncertain significance for Cardiovascular phenotype. Last evaluated: 2025-05-03. Review status: criteria provided, single submitter. Criteria: Ambry Variant Classification Scheme 2023. Collection method: clinical testing. Allele origin: germline.
Comment: The c.74_75delTGinsAT variant (also known as p.L25Y), located in coding exon 1 of the FKTN gene, results from an in-frame deletion of TG and insertion of AT at nucleotide positions 74 to 75. This results in the substitution of the leucine residue for a tyrosine residue at codon 25, an amino acid with highly similar properties. This amino acid position is highly conserved in available vertebrate species. In addition, this alteration is predicted to be neutral by in silico analysis (Choi Y et al. PLoS ONE. 2012; 7(10):e46688). Based on the available evidence, the clinical significance of this variant remains unclear.

Revvity Omics, Revvity
Classification: Uncertain significance. Last evaluated: 2023-03-31. Review status: criteria provided, single submitter. Criteria: ACMG Guidelines, 2015. Collection method: clinical testing. Allele origin: germline.